The following is an entry in ClinVar:

ClinVar aggregate classification (germline): Uncertain significance (1 of 4 stars; one submission).

Submission:

Labcorp Genetics (formerly Invitae), Labcorp
Classification: Uncertain significance. Last evaluated: 2021-06-27. Review status: criteria provided, single submitter. Criteria: Invitae Variant Classification Sherloc (09022015). Collection method: clinical testing. Allele origin: germline.
Comment: This variant results in a copy number gain of the genomic region encompassing exon(s) 5-14 of the SAMD11 gene. The 5' boundary is likely confined to intron 4. The 3' end of this event is unknown as it extends beyond the assayed region for this gene and therefore may encompass additional genes. As the precise location of this event is unknown, it may be in tandem or it may be located elsewhere in the genome. In summary, the available evidence is currently insufficient to determine the role of this variant in disease. Therefore, it has been classified as a Variant of Uncertain Significance. This variant has not been reported in the literature in individuals with SAMD11-related conditions.

NC_000001.10:g.(?_871132)_(879533_?)dup

Gene: SAMD11 (sterile alpha motif domain containing 11; plus strand). Cytogenetic location: 1p36.33.
Variant type: Duplication.
Identifiers: ClinVar variation 1450498 (VCV001450498.4).